The following is an entry in ClinVar:

ClinVar aggregate classification (germline): Uncertain significance (1 of 4 stars; one submission).

Conditions:
Neurodevelopmental disorder with hypotonia, stereotypic hand movements, and impaired language. Also called: Intellectual disability, autosomal dominant 20. Identifiers: Orphanet 228384, Orphanet 664410, MedGen C3150700, MONDO:0013266, OMIM 613443.

Submission:

Labcorp Genetics (formerly Invitae), Labcorp
Classification: Uncertain significance for Neurodevelopmental disorder with hypotonia, stereotypic hand movements, and impaired language. Last evaluated: 2017-06-02. Review status: criteria provided, single submitter. Criteria: Invitae Variant Classification Sherloc (09022015). Collection method: clinical testing. Allele origin: germline.
Comment: This sequence change replaces glutamine with histidine at codon 7 of the MEF2C protein (p.Gln7His). The glutamine residue is moderately conserved and there is a small physicochemical difference between glutamine and histidine. This variant is not present in population databases (ExAC no frequency). This variant has not been reported in the literature in individuals with a MEF2C-related disease. Algorithms developed to predict the effect of missense changes on protein structure and function do not agree on the potential impact of this missense change (SIFT: "Deleterious"; PolyPhen-2: "Possibly Damaging"; Align-GVGD: "Class C0"). In summary, this variant has uncertain impact on MEF2C function. The available evidence is currently insufficient to determine its role in disease. Therefore, it has been classified as a Variant of Uncertain Significance.

NM_002397.5(MEF2C):c.21G>T (p.Gln7His)

Gene: MEF2C (myocyte enhancer factor 2C; minus strand). Cytogenetic location: 5q14.3.
Variant type: single nucleotide variant.
Coding change: c.21G>T on transcript NM_002397.5 (MANE Select); coding-DNA position 21, G replaced by T.
Protein change: p.Gln7His; replaces glutamine 7 with histidine.
Molecular consequence: missense variant.
Genome position (GRCh38, 1-based): chr5:88,823,768, C>A on the plus strand (G>T on the coding strand, the complement: MEF2C is on the minus strand). VCF-style: chr5-88823768-C-A. GRCh37 (hg19) VCF-style: chr5-88119585-C-A.
Other names: c.21G>T, p.Gln7His (NM_001131005.2, NM_001193347.1, NM_001193348.1 and 29 more transcripts); short protein forms Q7H.
Identifiers: ClinVar variation 471460 (VCV000471460.9), dbSNP rs1554150584, ClinGen allele CA360425322.